The following is an entry in ClinVar:

NM_004036.5(ADCY3):c.1836C>T (p.Ser612=)

Gene: ADCY3 (adenylate cyclase 3; minus strand). Cytogenetic location: 2p23.3.
Variant type: single nucleotide variant.
Coding change: c.1836C>T on transcript NM_004036.5 (MANE Select); coding-DNA position 1836, C replaced by T.
Protein change: p.Ser612=; no amino-acid change (serine 612 retained).
Molecular consequence: synonymous variant.
Genome position (GRCh38, 1-based): chr2:24,834,616, G>A on the plus strand (C>T on the coding strand, the complement: ADCY3 is on the minus strand). VCF-style: chr2-24834616-G-A. GRCh37 (hg19) VCF-style: chr2-25057485-G-A.
Other names: c.1836C>T, p.Ser612= (NM_001320613.2, NM_001377129.1, NM_001377130.1 and 1 more transcripts); c.1902C>T, p.Ser634= (NM_001377128.1); c.1113C>T, p.Ser371= (NM_001377131.1); c.1836C>T (NM_001320613.1).
Identifiers: ClinVar variation 2728291 (VCV002728291.4), dbSNP rs1004125659, ClinGen allele CA43632106.

ClinVar aggregate classification (germline): Likely benign. Review status: criteria provided, single submitter (1 of 4 stars). 2 submissions from 2 submitters: Likely benign (1). 1 of the submissions does not count toward it. Last evaluated 2025-12-24.

Conditions:
ADCY3-related disorder. Also called: ADCY3-related condition.

Allele frequency attached by ClinVar (database versions not stated): TOPMed 0.00008; gnomAD exomes below 0.00001; gnomAD 0.00004.
gnomAD v4.1: 17 of 1,614,032 alleles (0.0011%); highest among the groups gnomAD compares: Admixed American, 0.018%; no homozygotes.

Submissions (2):

Labcorp Genetics (formerly Invitae), Labcorp
Classification: Likely benign. Last evaluated: 2025-12-24. Review status: criteria provided, single submitter. Criteria: Invitae Variant Classification Sherloc (09022015). Collection method: clinical testing. Allele origin: germline.

PreventionGenetics, part of Exact Sciences
Classification: Likely benign for ADCY3-related condition. Last evaluated: 2021-07-05. Review status: no assertion criteria provided. Collection method: clinical testing. Allele origin: germline. Not counted in ClinVar's aggregate classification.
Comment: This variant is classified as likely benign based on ACMG/AMP sequence variant interpretation guidelines (Richards et al. 2015 PMID: 25741868, with internal and published modifications).